The following is an entry in ClinVar:

ClinVar aggregate classification (germline): Conflicting classifications of pathogenicity. Review status: criteria provided, conflicting classifications (1 of 4 stars). 4 submissions from 4 submitters: Pathogenic (1); Uncertain significance (2). 1 of the submissions does not count toward it. Last evaluated 2026-01-22.

Conditions:
USH2A-related disorder. Also called: USH2A-related disorders; USH2A-related condition. Identifiers: MedGen CN239332.
Retinal dystrophy. Also called: Inherited retinal dystrophy. Identifiers: Orphanet 71862, MedGen C0854723, MeSH D058499, MONDO:0019118, HP:0000556.

Allele frequency attached by ClinVar (database versions not stated): gnomAD exomes 0.00001.
gnomAD v4.1: 9 of 1,613,920 alleles (0.00056%); highest among the groups gnomAD compares: Non-Finnish European, 0.00076%; no homozygotes.

Submissions (4):

Myriad Genetics, Inc.
Classification: Uncertain significance for USH2A-related disorder. Last evaluated: 2026-01-22. Review status: criteria provided, single submitter. Criteria: Myriad Autosomal Dominant, Autosomal Recessive and X-Linked Classification Criteria (2023). Collection method: clinical testing. Allele origin: unknown.
Comment: NM_206933.2(USH2A):c.12095G>T(G4032V) is a missense variant classified as a variant of uncertain significance in the context of USH2A-related disorders. G4032V has been observed in a case with relevant disease (PMID: 27208204). Relevant functional assessments of this variant are not available in the literature. G4032V has not been observed in referenced population frequency databases. In summary, there is insufficient evidence to classify NM_206933.2(USH2A):c.12095G>T(G4032V) as pathogenic or benign. Please note: this variant was assessed in the context of healthy population screening.

Women's Health and Genetics/Laboratory Corporation of America, LabCorp
Classification: Uncertain significance. Last evaluated: 2025-07-11. Review status: criteria provided, single submitter. Criteria: LabCorp Variant Classification Summary - May 2015. Collection method: clinical testing. Allele origin: germline.
Comment: Variant summary: USH2A c.12095G>T (p.Gly4032Val) results in a non-conservative amino acid change located in the Fibronectin type III domain (IPR003961) of the encoded protein sequence. Algorithms developed to predict the effect of missense changes on protein structure and function all suggest that this variant is likely to be disruptive. The variant was absent in 250584 control chromosomes. c.12095G>T has been observed in individual(s) affected with Usher Syndrome (Ellingford_2016). Other variant(s) that disrupt this residue have been determined to be pathogenic (p.Gly4032Arg). ClinVar contains an entry for this variant (Variation ID: 236540). Based on the evidence outlined above, the variant was classified as VUS-possibly pathogenic.

Labcorp Genetics (formerly Invitae), Labcorp
Classification: Pathogenic. Last evaluated: 2022-10-21. Review status: criteria provided, single submitter. Criteria: Invitae Variant Classification Sherloc (09022015). Collection method: clinical testing. Allele origin: germline.
Comment: For these reasons, this variant has been classified as Pathogenic. This variant disrupts the p.Gly4032 amino acid residue in USH2A. Other variant(s) that disrupt this residue have been determined to be pathogenic (PMID: 26667666, 27460420, 29847639, 33105608; Invitae). This suggests that this residue is clinically significant, and that variants that disrupt this residue are likely to be disease-causing. Advanced modeling of protein sequence and biophysical properties (such as structural, functional, and spatial information, amino acid conservation, physicochemical variation, residue mobility, and thermodynamic stability) performed at Invitae indicates that this missense variant is expected to disrupt USH2A protein function. ClinVar contains an entry for this variant (Variation ID: 236540). This missense change has been observed in individual(s) with Usher syndrome (PMID: 27208204). This variant is not present in population databases (gnomAD no frequency). This sequence change replaces glycine, which is neutral and non-polar, with valine, which is neutral and non-polar, at codon 4032 of the USH2A protein (p.Gly4032Val).

Centre for Genomic Medicine, Manchester, Central Manchester University Hospitals
Classification: Uncertain significance for Retinal dystrophy. Review status: no assertion criteria provided. Collection method: clinical testing. Allele origin: germline. Affected: yes. Not counted in ClinVar's aggregate classification.

Literature cited by the submitters: PubMed 27208204 (cited by 3 submitters); PubMed 26667666 (cited by Labcorp Genetics (formerly Invitae), Labcorp); PubMed 27460420 (cited by Labcorp Genetics (formerly Invitae), Labcorp); PubMed 29847639 (cited by Labcorp Genetics (formerly Invitae), Labcorp); PubMed 33105608 (cited by Labcorp Genetics (formerly Invitae), Labcorp).

NM_206933.4(USH2A):c.12095G>T (p.Gly4032Val)

Gene: USH2A (usherin; minus strand). Cytogenetic location: 1q41.
Variant type: single nucleotide variant.
Coding change: c.12095G>T on transcript NM_206933.4 (MANE Select); coding-DNA position 12095, G replaced by T.
Protein change: p.Gly4032Val; replaces glycine 4032 with valine.
Molecular consequence: missense variant.
Genome position (GRCh38, 1-based): chr1:215,680,348, C>A on the plus strand (G>T on the coding strand, the complement: USH2A is on the minus strand). VCF-style: chr1-215680348-C-A. GRCh37 (hg19) VCF-style: chr1-215853690-C-A.
Other names: short protein forms G4032V.
Identifiers: ClinVar variation 236540 (VCV000236540.9), dbSNP rs878853409, ClinGen allele CA10581636.
Genomic context (GRCh38, chr1:215,680,348, plus strand): 5'-ATTTCTCCTGCATGGTTTGCAGCCACAACACCAATGCGATATGTTGTGAATGGTTCTAAC[C>A]CGTACAGGTGGGCTTGATGGCTTGTTCCCTGTAAGAAAATTAACAGGTTAAGTTGTTGTT-3'
Protein context (NP_996816.3, residues 4022-4042): KGTSHQAHLY[Gly4032Val]LEPFTTYRIG